The following is an entry in ClinVar:

ClinVar aggregate classification (germline): Uncertain significance (1 of 4 stars; one submission).

Allele frequency attached by ClinVar (database versions not stated): gnomAD exomes below 0.00001.
gnomAD v4.1: 1 of 1,608,602 alleles (0.000062%); highest among the groups gnomAD compares: Non-Finnish European, 0.000085%; no homozygotes.

Submission:

Labcorp Genetics (formerly Invitae), Labcorp
Classification: Uncertain significance. Last evaluated: 2022-08-20. Review status: criteria provided, single submitter. Criteria: Invitae Variant Classification Sherloc (09022015). Collection method: clinical testing. Allele origin: germline.
Comment: This sequence change affects codon 1525 of the C5 mRNA. It is a 'silent' change, meaning that it does not change the encoded amino acid sequence of the C5 protein. This variant is not present in population databases (gnomAD no frequency). This variant has not been reported in the literature in individuals affected with C5-related conditions. Algorithms developed to predict the effect of sequence changes on RNA splicing suggest that this variant may disrupt the consensus splice site. In summary, the available evidence is currently insufficient to determine the role of this variant in disease. Therefore, it has been classified as a Variant of Uncertain Significance.

NM_001735.3(C5):c.4575C>T (p.Cys1525=)

Gene: C5 (complement C5; minus strand). Cytogenetic location: 9q33.2.
Variant type: single nucleotide variant.
Coding change: c.4575C>T on transcript NM_001735.3 (MANE Select); coding-DNA position 4575, C replaced by T.
Protein change: p.Cys1525=; no amino-acid change (cysteine 1525 retained).
Molecular consequence: synonymous variant.
Genome position (GRCh38, 1-based): chr9:120,961,495, G>A on the plus strand (C>T on the coding strand, the complement: C5 is on the minus strand). VCF-style: chr9-120961495-G-A. GRCh37 (hg19) VCF-style: chr9-123723773-G-A.
Other names: c.4593C>T, p.Cys1531= (NM_001317163.2).
Identifiers: ClinVar variation 1953649 (VCV001953649.2), dbSNP rs2540374484, ClinGen allele CA466939867.
Genomic context (GRCh38, chr9:120,961,495, plus strand): 5'-ACTGCTTTAAATAAGCATGCAGCCTAAATATGTTAAATAAAGTTTACCTTCTACACACTT[G>A]CACGCGGCTCCTTCACAGACTTTCTGAATTTTGATATTGGAAGTGCTATAAAACATGGTA-3'
Protein context (NP_001726.2, residues 1515-1535): KIQKVCEGAA[Cys1525=]KCVEADCGQM